The following is an entry in ClinVar:

NM_004336.5(BUB1):c.2504C>A (p.Thr835Asn)

Gene: BUB1 (BUB1 mitotic checkpoint serine/threonine kinase; minus strand). Cytogenetic location: 2q13.
Variant type: single nucleotide variant.
Coding change: c.2504C>A on transcript NM_004336.5 (MANE Select); coding-DNA position 2504, C replaced by A.
Protein change: p.Thr835Asn; replaces threonine 835 with asparagine.
Molecular consequence: missense variant.
Genome position (GRCh38, 1-based): chr2:110,641,763, G>T on the plus strand (C>A on the coding strand, the complement: BUB1 is on the minus strand). VCF-style: chr2-110641763-G-T. GRCh37 (hg19) VCF-style: chr2-111399340-G-T.
Other names: c.2444C>A, p.Thr815Asn (NM_001278616.2); c.2504C>A, p.Thr835Asn (NM_001278617.2); short protein forms T815N, T835N.
Identifiers: ClinVar variation 1792290 (VCV001792290.2), dbSNP rs778754030, ClinGen allele CA348090517.
Genomic context (GRCh38, chr2:110,641,763, plus strand): 5'-GCAGAATAGAACTTCATAAACATGTGCTGCATAGATGGCTTTAGTCTTTCCATCAACTGG[G>T]TCCCAATGTAGAATTCCCAGGGGTTGGCAGGCTTTTGGACCTGCAAATCAGGTATGTGAA-3'
Protein context (NP_004327.1, residues 825-845): PANPWEFYIG[Thr835Asn]QLMERLKPSM

ClinVar aggregate classification (germline): Uncertain significance (1 of 4 stars; one submission).

Submission:

Ambry Genetics
Classification: Uncertain significance. Last evaluated: 2021-11-07. Review status: criteria provided, single submitter. Criteria: Ambry Variant Classification Scheme 2023. Collection method: clinical testing. Allele origin: germline.
Comment: The p.T835N variant (also known as c.2504C>A), located in coding exon 21 of the BUB1 gene, results from a C to A substitution at nucleotide position 2504. The threonine at codon 835 is replaced by asparagine, an amino acid with similar properties. This amino acid position is conserved. In addition, this alteration is predicted to be tolerated by in silico analysis. Since supporting evidence is limited at this time, the clinical significance of this alteration remains unclear.